The following is an entry in ClinVar:

NM_000360.4(TH):c.1104+6T>C

Gene: TH (tyrosine hydroxylase; minus strand). Cytogenetic location: 11p15.5.
Variant type: single nucleotide variant.
Coding change: c.1104+6T>C on transcript NM_000360.4 (MANE Select); 6 bases into the intron after coding-DNA position 1104, T replaced by C.
Molecular consequence: intron variant.
Genome position (GRCh38, 1-based): chr11:2,165,996, A>G on the plus strand (T>C on the coding strand, the complement: TH is on the minus strand). VCF-style: chr11-2165996-A-G. GRCh37 (hg19) VCF-style: chr11-2187226-A-G.
Other names: c.1185+6T>C (NM_199293.3); c.1197+6T>C (NM_199292.3).
Identifiers: ClinVar variation 1917210 (VCV001917210.2), dbSNP rs1329692761, ClinGen allele CA597090076.
Genomic context (GRCh38, chr11:2,165,996, plus strand): 5'-AGGGTGAGGCCTGGATTCAGACCCCCAAACCCACACCCCAGGCCCTGCAGGGAGGGGTCA[A>G]CCCACCGTGGACAGCTTCTCAATTTCCTCATCCGAGGCCCCCAGGGACGCCAGGCCAATG-3'

ClinVar aggregate classification (germline): Uncertain significance (1 of 4 stars; one submission).

Conditions:
TH-deficient dopa-responsive dystonia. Also called: Tyrosine Hydroxylase-Deficient Dopa-Responsive Dystonia; Segawa syndrome, autosomal recessive; DYT-TH. Identifiers: Orphanet 101150, MedGen C2673535, MONDO:0011551, OMIM 605407.

Allele frequency attached by ClinVar (database versions not stated): TOPMed below 0.00001; gnomAD 0.00001.
gnomAD v4.1: 2 of 1,560,118 alleles (0.00013%); highest among the groups gnomAD compares: East Asian, 0.0024%; no homozygotes.

Submission:

Labcorp Genetics (formerly Invitae), Labcorp
Classification: Uncertain significance for TH-deficient dopa-responsive dystonia. Last evaluated: 2022-02-21. Review status: criteria provided, single submitter. Criteria: Invitae Variant Classification Sherloc (09022015). Collection method: clinical testing. Allele origin: germline.
Comment: This sequence change falls in intron 11 of the TH gene. It does not directly change the encoded amino acid sequence of the TH protein. It affects a nucleotide within the consensus splice site. This variant is present in population databases (no rsID available, gnomAD 0.007%). This variant has not been reported in the literature in individuals affected with TH-related conditions. Variants that disrupt the consensus splice site are a relatively common cause of aberrant splicing (PMID: 17576681, 9536098). Algorithms developed to predict the effect of sequence changes on RNA splicing suggest that this variant is not likely to affect RNA splicing. In summary, the available evidence is currently insufficient to determine the role of this variant in disease. Therefore, it has been classified as a Variant of Uncertain Significance.

Literature cited by the submitters: PubMed 17576681; PubMed 9536098.